The following is an entry in ClinVar:

NM_000478.6(ALPL):c.46_49del (p.Asn16fs)

Gene: ALPL (alkaline phosphatase, biomineralization associated; plus strand). Cytogenetic location: 1p36.12.
Variant type: Deletion.
Coding change: c.46_49del on transcript NM_000478.6 (MANE Select); coding-DNA positions 46 to 49, 4 bases deleted (AACT; older notation c.46_49delAACT).
Protein change: p.Asn16fs; shifts the reading frame from asparagine 16.
Molecular consequence: frameshift variant. On other transcripts: intron variant (2).
Genome position (GRCh38, 1-based): chr1:21,554,127-21,554,130, AACT deleted; deleting any 4 consecutive bases within chr1:21,554,124-21,554,130 gives the same sequence; the c. name uses the placement nearest the transcript's 3' end. VCF-style (leftmost placement, unchanged base first): chr1-21554123-TACTA-T. GRCh37 (hg19) VCF-style: chr1-21880616-TACTA-T.
Other names: c.46_49del, p.Asn16fs (NM_001369803.2, NM_001369804.2, NM_001369805.2); c.-104-6499_-104-6496del (NM_001127501.4); c.-54-6499_-54-6496del (NM_001177520.3); short protein forms N16fs.
Identifiers: ClinVar variation 370095 (VCV000370095.11), dbSNP rs1057516230, ClinGen allele CA16040711.

ClinVar aggregate classification (germline): Pathogenic. Review status: criteria provided, multiple submitters, no conflicts (2 of 4 stars). 5 submissions from 5 submitters: Pathogenic (4). 1 of the submissions does not count toward it. Last evaluated 2025-08-29.

Conditions:
Infantile hypophosphatasia. Identifiers: Orphanet 247651, Orphanet 436, MedGen C0268412, MONDO:1010169, OMIM 241500, MONDO:0009427.
Hypophosphatasia. Also called: Phosphoethanol-aminuria. Identifiers: Orphanet 436, MedGen C0020630, MeSH D007014, MONDO:0018570.

Submissions (5):

Genomenon, Inc
Classification: Pathogenic for Hypophosphatasia. Last evaluated: 2025-08-29. Review status: criteria provided, single submitter. Criteria: Genomenon Sequence Variant Interpretation Standards. Collection method: curation. Allele origin: germline. Affected: yes.
Comment: ALPL p.Asn16ProfsTer2 (c.46_49del) is a frameshift variant that results in the production of a truncated protein that may be subject to nonsense-mediated mRNA decay. This variant has been observed in at least one proband affected with hypophosphatasia (PMID:36444396;24100244). It is absent or not present at a significant frequency in gnomAD. In conclusion, we classify ALPL p.Asn16ProfsTer2 (c.46_49del) as a pathogenic variant.

Labcorp Genetics (formerly Invitae), Labcorp
Classification: Pathogenic. Last evaluated: 2025-08-14. Review status: criteria provided, single submitter. Criteria: Invitae Variant Classification Sherloc (09022015). Collection method: clinical testing. Allele origin: germline.
Comment: This sequence change creates a premature translational stop signal (p.Asn16Profs*2) in the ALPL gene. It is expected to result in an absent or disrupted protein product. Loss-of-function variants in ALPL are known to be pathogenic (PMID: 3174660, 10679946, 32973344, 33814268). This variant is not present in population databases (gnomAD no frequency). This premature translational stop signal has been observed in individual(s) with hypophosphatasia and/or skeletal dysplasia (PMID: 24100244, 30755392). This variant is also known as c.43_46delACTA. ClinVar contains an entry for this variant (Variation ID: 370095). For these reasons, this variant has been classified as Pathogenic.

Women's Health and Genetics/Laboratory Corporation of America, LabCorp
Classification: Pathogenic for Hypophosphatasia. Last evaluated: 2020-08-10. Review status: criteria provided, single submitter. Criteria: LabCorp Variant Classification Summary - May 2015. Collection method: clinical testing. Allele origin: germline.
Comment: Variant summary: ALPL c.46_49delAACT (p.Asn16ProfsX2) results in a premature termination codon, predicted to cause a truncation of the encoded protein or absence of the protein due to nonsense mediated decay, which are commonly known mechanisms for disease. Truncations downstream of this position have been classified as pathogenic by our laboratory. The variant was absent in 251480 control chromosomes. c.46_49delAACT has been reported in the literature in individuals affected with Hypophosphatasia (example, Ji_2019, de Roo_2014). To our knowledge, no experimental evidence demonstrating an impact on protein function has been reported. Two clinical diagnostic laboratories have submitted clinical-significance assessments for this variant to ClinVar after 2014 without evidence for independent evaluation. All laboratories classified the variant as pathogenic (n=1)/likely pathogenic(n=1). Based on the evidence outlined above, the variant was classified as pathogenic.

Center for Personalized Medicine, Children's Hospital Los Angeles
Classification: Pathogenic. Last evaluated: 2016-03-15. Review status: criteria provided, single submitter. Criteria: ACMG Guidelines, 2015. Collection method: clinical testing. Allele origin: germline. Affected: yes.

Counsyl
Classification: Likely pathogenic for Infantile hypophosphatasia. Last evaluated: 2015-11-20. Review status: no assertion criteria provided. Collection method: clinical testing. Allele origin: unknown. Not counted in ClinVar's aggregate classification.

Literature cited by the submitters: PubMed 36444396 (cited by Genomenon, Inc); PubMed 24100244 (cited by 4 submitters); PubMed 3174660 (cited by Labcorp Genetics (formerly Invitae), Labcorp); PubMed 10679946 (cited by Labcorp Genetics (formerly Invitae), Labcorp); PubMed 32973344 (cited by Labcorp Genetics (formerly Invitae), Labcorp); PubMed 33814268 (cited by Labcorp Genetics (formerly Invitae), Labcorp); PubMed 30755392 (cited by Labcorp Genetics (formerly Invitae), Labcorp and Women's Health and Genetics/Laboratory Corporation of America, LabCorp).